The following is an entry in ClinVar:

ClinVar aggregate classification (germline): Pathogenic (3 of 4 stars; one submission).

Conditions:
Lynch syndrome. Identifiers: Orphanet 144, MedGen C4552100, MONDO:0005835. Disease mechanism: loss of function.

Submission:

International Society for Gastrointestinal Hereditary Tumours (InSiGHT)
Classification: Pathogenic for Lynch Syndrome. Last evaluated: 2013-09-05. Review status: reviewed by expert panel. Criteria: Guidelines v1.9. Collection method: research. Allele origin: germline.
Comment: Large deletion

Classified with v1.9 guidelines

NM_000535.5(PMS2):c.989-?_(*160_?)del

Gene: PMS2 (PMS1 homolog 2, mismatch repair system component; minus strand). Cytogenetic location: 7p22.1.
Variant type: Deletion.
Coding change: c.989-?_(*160_?)del on transcript NM_000535.5.
Other names: c.989-?_(*160_?)del (LRG_161t1).
Identifiers: ClinVar variation 91387 (VCV000091387.2).